The following is an entry in ClinVar:

NM_000069.3(CACNA1S):c.2979C>A (p.Ser993Arg)

Gene: CACNA1S (calcium voltage-gated channel subunit alpha1 S; minus strand). Cytogenetic location: 1q32.1.
Variant type: single nucleotide variant.
Coding change: c.2979C>A on transcript NM_000069.3 (MANE Select); coding-DNA position 2979, C replaced by A.
Protein change: p.Ser993Arg; replaces serine 993 with arginine.
Molecular consequence: missense variant.
Genome position (GRCh38, 1-based): chr1:201,062,018, G>T on the plus strand (C>A on the coding strand, the complement: CACNA1S is on the minus strand). VCF-style: chr1-201062018-G-T. GRCh37 (hg19) VCF-style: chr1-201031146-G-T.
Other names: short protein forms S993R.
Identifiers: ClinVar variation 294735 (VCV000294735.14), dbSNP rs146497999, ClinGen allele CA10608734.
Genomic context (GRCh38, chr1:201,062,018, plus strand): 5'-GAAGGTGGAGACCGTGAAGAGGGACATCATGGCTGAGAGCACATTGTCGAAGTGGAAGTC[G>T]CTGTGTACCCACTCGCGGTGACGCAGCTCTATCTGCATGGGGTCCCCGTCCTTGTACACG-3'
Protein context (NP_000060.2, residues 983-1003): IELRHREWVH[Ser993Arg]DFHFDNVLSA

ClinVar aggregate classification (germline): Conflicting classifications of pathogenicity. Review status: criteria provided, conflicting classifications (1 of 4 stars). 10 submissions from 7 submitters: Uncertain significance (9); Likely benign (1). Last evaluated 2025-08-02.

Conditions:
Congenital myopathy 18. Also called: DIHYDROPYRIDINE RECEPTOR CONGENITAL MYOPATHY; DHPR CONGENITAL MYOPATHY; Myopathy, congenital, due to dihydropyridine receptor defect. Identifiers: MedGen C5830283, MONDO:0859514, OMIM 620246.
Hypokalemic periodic paralysis, type 1. Also called: Hypokalemic Periodic Paralysis Type 1 (AD); HypoPP. Identifiers: Orphanet 681, MedGen C3714580, MONDO:0042979, OMIM 170400.
Malignant hyperthermia, susceptibility to, 5 (MHS5). Also called: CACNA1S-Related Malignant Hyperthermia Susceptibility. Identifiers: Orphanet 423, MedGen C1866077, MONDO:0011163, OMIM 601887.
Thyrotoxic periodic paralysis, susceptibility to, 1 (TTPP1). Identifiers: Orphanet 79102, MedGen C2749982, MONDO:0008570, OMIM 188580.
Inborn genetic diseases. Identifiers: MedGen C0950123, MeSH D030342.

Allele frequency attached by ClinVar (database versions not stated): TOPMed 0.00005; ESP Exome Variant Server 0.00008.
gnomAD v4.1: 69 of 1,614,060 alleles (0.0043%); highest among the groups gnomAD compares: Non-Finnish European, 0.0055%; no homozygotes.

Submissions (10):

Labcorp Genetics (formerly Invitae), Labcorp
Classification: Likely benign for Hypokalemic periodic paralysis, type 1; Malignant hyperthermia, susceptibility to, 5. Last evaluated: 2025-08-02. Review status: criteria provided, single submitter. Criteria: Invitae Variant Classification Sherloc (09022015). Collection method: clinical testing. Allele origin: germline.

All of Us Research Program, National Institutes of Health
Classification: Uncertain significance for Malignant hyperthermia, susceptibility to, 5. Last evaluated: 2024-08-06. Review status: criteria provided, single submitter. Criteria: ACMG Guidelines, 2015. Collection method: clinical testing. Allele origin: germline. Inheritance: Autosomal dominant inheritance. Observed: 5 variant alleles, 5 heterozygotes.
Comment: This missense variant replaces serine with arginine at codon 993 of the CACNA1S protein. Computational prediction suggests that this variant may not impact protein structure and function (internally defined REVEL score threshold <= 0.5, PMID: 27666373). To our knowledge, functional studies have not been reported for this variant. This variant has not been reported in individuals affected with malignant hyperthermia in the literature. This variant has been identified in 3/251280 chromosomes in the general population by the Genome Aggregation Database (gnomAD). The available evidence is insufficient to determine the role of this variant in disease conclusively. Therefore, this variant is classified as a Variant of Uncertain Significance.

This study involves interpretation of variants in research participants for the purpose of population health screening. Participant phenotype was not available at the time of variant classification. Additional details can be found in publication PMID: 35346344, PMCID: PMC8962531

Color Diagnostics, LLC DBA Color Health
Classification: Uncertain significance for Malignant hyperthermia, susceptibility to, 5. Last evaluated: 2024-03-06. Review status: criteria provided, single submitter. Criteria: ACMG Guidelines, 2015. Collection method: clinical testing. Allele origin: germline.
Comment: This missense variant replaces serine with arginine at codon 993 of the CACNA1S protein. Computational prediction suggests that this variant may not impact protein structure and function. To our knowledge, functional studies have not been reported for this variant. This variant has not been reported in individuals affected with malignant hyperthermia in the literature. This variant has been identified in 3/251280 chromosomes in the general population by the Genome Aggregation Database (gnomAD). The available evidence is insufficient to determine the role of this variant in disease conclusively. Therefore, this variant is classified as a Variant of Uncertain Significance.

Ambry Genetics
Classification: Uncertain significance for Inborn genetic diseases. Last evaluated: 2024-02-21. Review status: criteria provided, single submitter. Criteria: Ambry Variant Classification Scheme 2023. Collection method: clinical testing. Allele origin: germline.

Genome-Nilou Lab
Classification: Uncertain significance for Malignant hyperthermia, susceptibility to, 5. Last evaluated: 2023-04-11. Review status: criteria provided, single submitter. Criteria: ACMG Guidelines, 2015. Collection method: clinical testing. Allele origin: germline. Affected: no.

Genome-Nilou Lab
Classification: Uncertain significance for Thyrotoxic periodic paralysis, susceptibility to, 1. Last evaluated: 2023-04-11. Review status: criteria provided, single submitter. Criteria: ACMG Guidelines, 2015. Collection method: clinical testing. Allele origin: germline. Affected: no.

Genome-Nilou Lab
Classification: Uncertain significance for Congenital myopathy 18. Last evaluated: 2023-04-11. Review status: criteria provided, single submitter. Criteria: ACMG Guidelines, 2015. Collection method: clinical testing. Allele origin: germline. Affected: no.

Genome-Nilou Lab
Classification: Uncertain significance for Hypokalemic periodic paralysis, type 1. Last evaluated: 2023-04-11. Review status: criteria provided, single submitter. Criteria: ACMG Guidelines, 2015. Collection method: clinical testing. Allele origin: germline. Affected: no.

Molecular Genetics, Royal Melbourne Hospital
Classification: Uncertain significance for Malignant hyperthermia, susceptibility to, 5. Last evaluated: 2021-08-10. Review status: criteria provided, single submitter. Criteria: ACMG Guidelines, 2015. Collection method: clinical testing. Allele origin: germline. Affected: yes.
Comment: This sequence change in CANA1S is predicted to replace serine with arginine at codon 993 (p.(Ser993Arg)). The serine residue is moderately conserved (100 vertebrates, UCSC), and is located in the extracellular loop of domain III. There is a large physicochemical difference between serine and arginine. The highest population minor allele frequency in gnomAD v2.1 is 0.006% (1/16,246 alleles) in the African/African American population. This variant has been reported as a variant of uncertain significance (ClinVar ID: 294735), and to our knowledge, has not been reported in the literature in any individuals with malignant hyperthermia. Multiple lines of computational evidence have conflicting predictions for the missense substitution (4/6 algorithms predict deleterious). Based on the classification scheme RMH Modified ACMG Guidelines v1.4.0, this variant is classified as a VARIANT OF UNCERTAIN SIGNIFICANCE. Following criteria are met: none.

Illumina Laboratory Services, Illumina
Classification: Uncertain significance for Hypokalemic periodic paralysis, type 1. Last evaluated: 2018-01-12. Review status: criteria provided, single submitter. Criteria: ICSL Variant Classification Criteria 13 December 2019. Collection method: clinical testing. Allele origin: germline.